The following is an entry in ClinVar:

NM_012123.4(MTO1):c.1785A>G (p.Gln595=)

Gene: MTO1 (mitochondrial tRNA translation optimization 1; plus strand). Cytogenetic location: 6q13.
Variant type: single nucleotide variant.
Coding change: c.1785A>G on transcript NM_012123.4 (MANE Select); coding-DNA position 1785, A replaced by G.
Protein change: p.Gln595=; no amino-acid change (glutamine 595 retained).
Molecular consequence: synonymous variant.
Genome position (GRCh38, 1-based): chr6:73,497,764, A>G. VCF-style: chr6-73497764-A-G. GRCh37 (hg19) VCF-style: chr6-74207487-A-G.
Other names: p.Q595Q:CAA>CAG; p.Gln595=; c.1905A>G, p.Gln635= (NM_001123226.2); c.1860A>G, p.Gln620= (NM_133645.3).
Identifiers: ClinVar variation 138276 (VCV000138276.48), dbSNP rs147990749, ClinGen allele CA292194.
Genomic context (GRCh38, chr6:73,497,764, plus strand): 5'-TATTATAACATGATTCTGATTTTGTTGACCAGCCACTTATGAATCAGTGTTGTTCCATCA[A>G]CTACAAGAAATAAAGGGAGTTCAGCAAGATGAAGCTCTCCAACTGCCAAAAGACCTAGAT-3'
Protein context (NP_036255.2, residues 585-605): EATYESVLFH[Gln595=]LQEIKGVQQD

ClinVar aggregate classification (germline): Benign/Likely benign. Review status: criteria provided, multiple submitters, no conflicts (2 of 4 stars). 5 submissions from 5 submitters: Benign (4); Likely benign (1). Last evaluated 2026-10-01.

Conditions:
MTO1-related disorder. Also called: MTO1-related condition.
Mitochondrial hypertrophic cardiomyopathy with lactic acidosis due to MTO1 deficiency. Also called: CARDIOMYOPATHY, INFANTILE HYPERTROPHIC MITOCHONDRIAL, AND LACTIC ACIDOSIS; Combined oxidative phosphorylation deficiency 10. Identifiers: Orphanet 314637, MedGen C4749921, MONDO:0013865, OMIM 614702.

Allele frequency attached by ClinVar (database versions not stated): 1000 Genomes Project 30x 0.00078; 1000 Genomes Project 0.00080; ExAC 0.00486; TOPMed 0.00549; ESP Exome Variant Server 0.00838.
gnomAD v4.1: 13,078 of 1,613,972 alleles (0.81%); highest among the groups gnomAD compares: Non-Finnish European, 1%; 75 homozygotes.

Submissions (30):

CeGaT Center for Human Genetics Tuebingen
Classification: Benign. Last evaluated: 2026-10-01. Review status: criteria provided, single submitter. Criteria: CeGaT Center For Human Genetics Tuebingen Variant Classification Criteria Version 2. Collection method: clinical testing. Allele origin: germline. Affected: yes. Observed: 18 variant alleles.
Comment: MTO1: PP3, BS1, BS2

Labcorp Genetics (formerly Invitae), Labcorp
Classification: Benign for Mitochondrial hypertrophic cardiomyopathy with lactic acidosis due to MTO1 deficiency. Last evaluated: 2026-02-03. Review status: criteria provided, single submitter. Criteria: Invitae Variant Classification Sherloc (09022015). Collection method: clinical testing. Allele origin: germline.

PreventionGenetics, part of Exact Sciences
Classification: Benign for MTO1-related condition. Last evaluated: 2025-12-15. Review status: criteria provided, single submitter. Criteria: ACMG Guidelines, 2015. Collection method: clinical testing. Allele origin: germline.
Comment: This variant is classified as benign based on ACMG/AMP sequence variant interpretation guidelines (Richards et al. 2015 PMID: 25741868, with internal and published modifications).

Mayo Clinic Laboratories, Mayo Clinic
Classification: Likely benign. Last evaluated: 2025-10-14. Review status: criteria provided, single submitter. Criteria: ACMG Guidelines, 2015. Collection method: clinical testing. Allele origin: germline. Observed: 32 variant alleles.
Comment: BS1, BS2, PP3

GeneDx
Classification: Benign. Last evaluated: 2014-03-21. Review status: criteria provided, single submitter. Criteria: GeneDx Variant Classification (06012015). Collection method: clinical testing. Allele origin: germline. Affected: yes.
Comment: This variant is considered likely benign or benign based on one or more of the following criteria: it is a conservative change, it occurs at a poorly conserved position in the protein, it is predicted to be benign by multiple in silico algorithms, and/or has population frequency not consistent with disease.

Dr. Peter K. Rogan Lab, Western University
No classification provided (evidence only). Condition: Clear cell carcinoma of kidney. Review status: no classification provided. Collection method: in vitro. Allele origin: not applicable. Functional consequence: retained intron. Not counted in ClinVar's aggregate classification.

Dr. Peter K. Rogan Lab, Western University
No classification provided (evidence only). Condition: Clear cell carcinoma of kidney. Review status: no classification provided. Collection method: in vitro. Allele origin: not applicable. Functional consequence: retained intron. Not counted in ClinVar's aggregate classification.

Dr. Peter K. Rogan Lab, Western University
No classification provided (evidence only). Condition: Clear cell carcinoma of kidney. Review status: no classification provided. Collection method: in vitro. Allele origin: not applicable. Functional consequence: skipped exon, retained intron. Not counted in ClinVar's aggregate classification.

Dr. Peter K. Rogan Lab, Western University
No classification provided (evidence only). Condition: Clear cell carcinoma of kidney. Review status: no classification provided. Collection method: in vitro. Allele origin: not applicable. Functional consequence: retained intron. Not counted in ClinVar's aggregate classification.

Dr. Peter K. Rogan Lab, Western University
No classification provided (evidence only). Condition: Clear cell carcinoma of kidney. Review status: no classification provided. Collection method: in vitro. Allele origin: not applicable. Functional consequence: retained intron. Not counted in ClinVar's aggregate classification.

Dr. Peter K. Rogan Lab, Western University
No classification provided (evidence only). Condition: Melanoma. Review status: no classification provided. Collection method: in vitro. Allele origin: not applicable. Functional consequence: retained intron. Not counted in ClinVar's aggregate classification.

Dr. Peter K. Rogan Lab, Western University
No classification provided (evidence only). Condition: Melanoma. Review status: no classification provided. Collection method: in vitro. Allele origin: not applicable. Functional consequence: retained intron. Not counted in ClinVar's aggregate classification.

Dr. Peter K. Rogan Lab, Western University
No classification provided (evidence only). Condition: Acute myeloid leukemia. Review status: no classification provided. Collection method: in vitro. Allele origin: not applicable. Functional consequence: retained intron. Not counted in ClinVar's aggregate classification.

Dr. Peter K. Rogan Lab, Western University
No classification provided (evidence only). Condition: Colon adenocarcinoma. Review status: no classification provided. Collection method: in vitro. Allele origin: not applicable. Functional consequence: retained intron. Not counted in ClinVar's aggregate classification.

Dr. Peter K. Rogan Lab, Western University
No classification provided (evidence only). Condition: Thyroid cancer, nonmedullary, 1. Review status: no classification provided. Collection method: in vitro. Allele origin: not applicable. Functional consequence: retained intron. Not counted in ClinVar's aggregate classification.

Dr. Peter K. Rogan Lab, Western University
No classification provided (evidence only). Condition: Sarcoma. Review status: no classification provided. Collection method: in vitro. Allele origin: not applicable. Functional consequence: retained intron. Not counted in ClinVar's aggregate classification.

Dr. Peter K. Rogan Lab, Western University
No classification provided (evidence only). Condition: Sarcoma. Review status: no classification provided. Collection method: in vitro. Allele origin: not applicable. Functional consequence: retained intron. Not counted in ClinVar's aggregate classification.

Dr. Peter K. Rogan Lab, Western University
No classification provided (evidence only). Condition: Thymoma. Review status: no classification provided. Collection method: in vitro. Allele origin: not applicable. Functional consequence: retained intron. Not counted in ClinVar's aggregate classification.

Dr. Peter K. Rogan Lab, Western University
No classification provided (evidence only). Condition: Thymoma. Review status: no classification provided. Collection method: in vitro. Allele origin: not applicable. Functional consequence: retained intron. Not counted in ClinVar's aggregate classification.

Dr. Peter K. Rogan Lab, Western University
No classification provided (evidence only). Condition: Thymoma. Review status: no classification provided. Collection method: in vitro. Allele origin: not applicable. Functional consequence: retained intron. Not counted in ClinVar's aggregate classification.

Dr. Peter K. Rogan Lab, Western University
No classification provided (evidence only). Condition: Ovarian serous cystadenocarcinoma. Review status: no classification provided. Collection method: in vitro. Allele origin: not applicable. Functional consequence: retained intron. Not counted in ClinVar's aggregate classification.

Dr. Peter K. Rogan Lab, Western University
No classification provided (evidence only). Condition: Ovarian serous cystadenocarcinoma. Review status: no classification provided. Collection method: in vitro. Allele origin: not applicable. Functional consequence: retained intron. Not counted in ClinVar's aggregate classification.

Dr. Peter K. Rogan Lab, Western University
No classification provided (evidence only). Condition: Ovarian serous cystadenocarcinoma. Review status: no classification provided. Collection method: in vitro. Allele origin: not applicable. Functional consequence: retained intron. Not counted in ClinVar's aggregate classification.

Dr. Peter K. Rogan Lab, Western University
No classification provided (evidence only). Condition: Gastric cancer. Review status: no classification provided. Collection method: in vitro. Allele origin: not applicable. Functional consequence: retained intron. Not counted in ClinVar's aggregate classification.

Dr. Peter K. Rogan Lab, Western University
No classification provided (evidence only). Condition: Malignant tumor of esophagus. Review status: no classification provided. Collection method: in vitro. Allele origin: not applicable. Functional consequence: retained intron. Not counted in ClinVar's aggregate classification.

Dr. Peter K. Rogan Lab, Western University
No classification provided (evidence only). Condition: Nonpapillary renal cell carcinoma. Review status: no classification provided. Collection method: in vitro. Allele origin: not applicable. Functional consequence: cryptic splice site, retained intron. Not counted in ClinVar's aggregate classification.

Dr. Peter K. Rogan Lab, Western University
No classification provided (evidence only). Condition: Familial pancreatic carcinoma. Review status: no classification provided. Collection method: in vitro. Allele origin: not applicable. Functional consequence: cryptic splice site. Not counted in ClinVar's aggregate classification.

Dr. Peter K. Rogan Lab, Western University
No classification provided (evidence only). Condition: Lymphoma. Review status: no classification provided. Collection method: in vitro. Allele origin: not applicable. Functional consequence: cryptic splice site. Not counted in ClinVar's aggregate classification.

Dr. Peter K. Rogan Lab, Western University
No classification provided (evidence only). Condition: Ovarian cancer. Review status: no classification provided. Collection method: in vitro. Allele origin: not applicable. Functional consequence: cryptic splice site, skipped exon, retained intron. Not counted in ClinVar's aggregate classification.

Dr. Peter K. Rogan Lab, Western University
No classification provided (evidence only). Condition: Ovarian cancer. Review status: no classification provided. Collection method: in vitro. Allele origin: not applicable. Functional consequence: cryptic splice site, skipped exon, retained intron. Not counted in ClinVar's aggregate classification.